The following is an entry in ClinVar:

ClinVar aggregate classification (germline): Uncertain significance. Review status: criteria provided, multiple submitters, no conflicts (2 of 4 stars). 2 submissions from 2 submitters: Uncertain significance (2). Last evaluated 2024-04-10.

Conditions:
Progressive myoclonic epilepsy. Also called: Myoclonic Epilepsies, Progressive; Familial progressive myoclonic epilepsy; Progressive myoclonus epilepsy; Myoclonus epilepsy. Identifiers: Orphanet 308, Orphanet 98261, MedGen C0751778, MONDO:0020074.

Submissions (2):

Labcorp Genetics (formerly Invitae), Labcorp
Classification: Uncertain significance for Progressive myoclonic epilepsy. Last evaluated: 2024-04-10. Review status: criteria provided, single submitter. Criteria: Invitae Variant Classification Sherloc (09022015). Collection method: clinical testing. Allele origin: germline.
Comment: This sequence change replaces phenylalanine, which is neutral and non-polar, with cysteine, which is neutral and slightly polar, at codon 5 of the EPM2A protein (p.Phe5Cys). This variant is not present in population databases (gnomAD no frequency). This missense change has been observed in individual(s) with myoclonic epilepsy (Invitae). ClinVar contains an entry for this variant (Variation ID: 1422688). Advanced modeling of protein sequence and biophysical properties (such as structural, functional, and spatial information, amino acid conservation, physicochemical variation, residue mobility, and thermodynamic stability) has been performed at Invitae for this missense variant, however the output from this modeling did not meet the statistical confidence thresholds required to predict the impact of this variant on EPM2A protein function. In summary, the available evidence is currently insufficient to determine the role of this variant in disease. Therefore, it has been classified as a Variant of Uncertain Significance.

CeGaT Center for Human Genetics Tuebingen
Classification: Uncertain significance. Last evaluated: 2022-11-01. Review status: criteria provided, single submitter. Criteria: CeGaT Center For Human Genetics Tuebingen Variant Classification Criteria Version 2. Collection method: clinical testing. Allele origin: germline. Affected: yes. Observed: 2 variant alleles.

NM_005670.4(EPM2A):c.14T>G (p.Phe5Cys)

Genes: EPM2A (EPM2A glucan phosphatase, laforin; minus strand), EPM2A-DT (EPM2A divergent transcript; plus strand), LOC129997381 (ATAC-STARR-seq lymphoblastoid silent region 17642; plus strand). Cytogenetic location: 6q24.3.
Variant type: single nucleotide variant.
Coding change: c.14T>G on transcript NM_005670.4 (MANE Select); coding-DNA position 14, T replaced by G.
Protein change: p.Phe5Cys; replaces phenylalanine 5 with cysteine.
Molecular consequence: missense variant. On other transcripts: 5 prime UTR variant (3), intron variant (1).
Genome position (GRCh38, 1-based): chr6:145,735,485, A>C on the plus strand (T>G on the coding strand, the complement: EPM2A is on the minus strand). VCF-style: chr6-145735485-A-C. GRCh37 (hg19) VCF-style: chr6-146056621-A-C.
Other names: c.14T>G, p.Phe5Cys (NM_001018041.2, NM_001360057.2, NM_001368130.1); c.-656T>G (NM_001360071.2); c.-610T>G (NM_001368129.2); c.-354T>G (NM_001368131.1); c.-114+423T>G (NM_001360064.2); short protein forms F5C.
Identifiers: ClinVar variation 1422688 (VCV001422688.36), dbSNP rs2128650105, ClinGen allele CA366188732.